The following is an entry in ClinVar:

NM_001201550.3(CFHR4):c.243_244delinsAA (p.Val82Ile)

Gene: CFHR4 (complement factor H related 4; plus strand). Cytogenetic location: 1q31.3.
Variant type: Indel.
Coding change: c.243_244delinsAA on transcript NM_001201550.3 (MANE Select); coding-DNA positions 243 to 244, GG replaced by AA.
Protein change: p.Val82Ile; replaces valine 82 with isoleucine.
Molecular consequence: missense variant.
Genome position (GRCh38, 1-based): chr1:196,902,602-196,902,603, GG replaced by AA. VCF-style: chr1-196902602-GG-AA. GRCh37 (hg19) VCF-style: chr1-196871732-GG-AA.
Other names: p.Val81Ile; c.240_241delinsAA, p.Val81Ile (NM_001201551.2); c.243_244delinsAA, p.Val82Ile (NM_006684.5); short protein forms V81I, V82I.
Identifiers: ClinVar variation 3380380 (VCV003380380.1).

ClinVar aggregate classification (germline): Uncertain significance (1 of 4 stars; one submission).

Submission:

Mayo Clinic Laboratories, Mayo Clinic
Classification: Uncertain significance. Last evaluated: 2024-06-06. Review status: criteria provided, single submitter. Criteria: ACMG Guidelines, 2015. Collection method: clinical testing. Allele origin: germline. Observed: 1 variant allele.
Comment: BP4, PM2